The following is an entry in ClinVar:

ClinVar aggregate classification (germline): Likely benign. Review status: criteria provided, multiple submitters, no conflicts (2 of 4 stars). 4 submissions from 4 submitters: Likely benign (4). Last evaluated 2024-04-16.

Conditions:
Cardiomyopathy (CMYO). Also called: Cardiomyopathies. Identifiers: Orphanet 167848, MedGen C0878544, MONDO:0004994, HP:0001638. Inheritance: Various modes of inheritance.
Cardiovascular phenotype. Identifiers: MedGen CN230736.
Lethal congenital glycogen storage disease of heart. Also called: GLYCOGEN STORAGE DISEASE OF HEART; PHOSPHORYLASE KINASE DEFICIENCY OF HEART. Identifiers: Orphanet 439854, MedGen C1849813, MONDO:0009867, OMIM 261740.
Hypertrophic cardiomyopathy. Also called: HYPERTROPHIC MYOCARDIOPATHY. Identifiers: Orphanet 217569, MedGen C0007194, MeSH D002312, MONDO:0005045, HP:0001639.

Allele frequency attached by ClinVar (database versions not stated): gnomAD 0.00001; ExAC 0.00005.
gnomAD v4.1: 25 of 1,613,716 alleles (0.0015%); highest among the groups gnomAD compares: Non-Finnish European, 0.00025%; no homozygotes.

Submissions (4):

All of Us Research Program, National Institutes of Health
Classification: Likely benign for Hypertrophic cardiomyopathy. Last evaluated: 2024-04-16. Review status: criteria provided, single submitter. Criteria: ACMG Guidelines, 2015. Collection method: clinical testing. Allele origin: germline. Inheritance: Autosomal dominant inheritance. Observed: 1 variant allele, 1 heterozygote.
Comment: This study involves interpretation of variants in research participants for the purpose of population health screening. Participant phenotype was not available at the time of variant classification. Additional details can be found in publication PMID: 35346344, PMCID: PMC8962531

Color Diagnostics, LLC DBA Color Health
Classification: Likely benign for Cardiomyopathy. Last evaluated: 2024-03-28. Review status: criteria provided, single submitter. Criteria: ACMG Guidelines, 2015. Collection method: clinical testing. Allele origin: germline.

Labcorp Genetics (formerly Invitae), Labcorp
Classification: Likely benign for Lethal congenital glycogen storage disease of heart. Last evaluated: 2022-05-01. Review status: criteria provided, single submitter. Criteria: Invitae Variant Classification Sherloc (09022015). Collection method: clinical testing. Allele origin: germline.

Ambry Genetics
Classification: Likely benign for Cardiovascular phenotype. Last evaluated: 2021-01-28. Review status: criteria provided, single submitter. Criteria: Ambry Variant Classification Scheme 2023. Collection method: clinical testing. Allele origin: germline.

NM_016203.4(PRKAG2):c.1260C>T (p.Phe420=)

Gene: PRKAG2 (protein kinase AMP-activated non-catalytic subunit gamma 2; minus strand). Cytogenetic location: 7q36.1.
Variant type: single nucleotide variant.
Coding change: c.1260C>T on transcript NM_016203.4 (MANE Select); coding-DNA position 1260, C replaced by T.
Protein change: p.Phe420=; no amino-acid change (phenylalanine 420 retained).
Molecular consequence: synonymous variant.
Genome position (GRCh38, 1-based): chr7:151,565,859, G>A on the plus strand (C>T on the coding strand, the complement: PRKAG2 is on the minus strand). VCF-style: chr7-151565859-G-A. GRCh37 (hg19) VCF-style: chr7-151262945-G-A.
Other names: c.1128C>T, p.Phe376= (NM_001040633.2, NM_001407024.1); c.885C>T, p.Phe295= (NM_001304527.2, NM_001407029.1); c.537C>T, p.Phe179= (NM_001304531.2, NM_001407034.1, NM_001407035.1 and 1 more transcripts); c.888C>T, p.Phe296= (NM_001363698.2, NM_001407028.1); c.1260C>T, p.Phe420= (NM_001407021.1); c.1257C>T, p.Phe419= (NM_001407022.1, NM_001407023.1); c.1125C>T, p.Phe375= (NM_001407026.1, NM_001407027.1); c.972C>T, p.Phe324= (NM_001407030.1); and 6 more.
Identifiers: ClinVar variation 1763005 (VCV001763005.8), dbSNP rs759892892, ClinGen allele CA054644.